The following is an entry in ClinVar:

NC_000006.11:g.116734559_123648104del

Genes: ASF1A (anti-silencing function 1A histone chaperone; plus strand), CALHM4 (calcium homeostasis modulator family member 4; plus strand), CALHM5 (calcium homeostasis modulator family member 5; plus strand), CALHM6 (calcium homeostasis modulator family member 6; plus strand), CEP85L (centrosomal protein 85 like; minus strand) and 28 more. Cytogenetic location: 6q22.1-22.31.
Variant type: Deletion.
Identifiers: ClinVar variation 978186 (VCV000978186.2).

ClinVar aggregate classification (germline): Pathogenic (1 of 4 stars; one submission).

Conditions:
6q22.1 Microdeletion Syndrome.

Submission:

New York Genome Center
Classification: Pathogenic for 6q22.1 Microdeletion Syndrome. Last evaluated: 2020-03-13. Review status: criteria provided, single submitter. Criteria: NYGC Assertion Criteria 2020. Collection method: clinical testing. Allele origin: de novo. Affected: yes. Observed: 1 variant allele. Study: CSER-NYCKidSeq.
Comment: The 6q21.1q22.3 deletion is a 6.9 MB deletion on the long arm of chromosome 6. This region contains 72 genes, 19 of which are OMIM associated including NUS1, which is associated with an autosomal dominant intellectual disability syndrome with seizures [MIM# 617831]. Several individuals have been reported in the literature with smaller deletions within this region, and clinical phenotypes including language delay, cognitive defects, epilepsy, and tremors (Patients 1, 3, 4, and 5 [PMID:24824130]). Larger or partially overlapping deletions of this region have been reported in individuals withneurodevelopmental phenotypes including intellectual disability and seizures [PMID:22218741]. The 6q21.1q22.3 deletion reported here was identified de novo in an indiviudal submitted for clincial testing.